The following is an entry in ClinVar:

NM_007078.3(LDB3):c.827G>A (p.Arg276His)

Gene: LDB3 (LIM domain binding 3; plus strand). Cytogenetic location: 10q23.2.
Variant type: single nucleotide variant.
Coding change: c.827G>A on transcript NM_007078.3 (MANE Select); coding-DNA position 827, G replaced by A.
Protein change: p.Arg276His; replaces arginine 276 with histidine.
Molecular consequence: missense variant.
Genome position (GRCh38, 1-based): chr10:86,692,033, G>A. VCF-style: chr10-86692033-G-A. GRCh37 (hg19) VCF-style: chr10-88451790-G-A.
Other names: c.686G>A, p.Arg229His (NM_001080116.1, NM_001080114.2, NM_001368066.1 and 2 more transcripts); c.827G>A, p.Arg276His (NM_001080115.2, NM_001368063.1, NM_001368064.1 and 1 more transcripts); c.1031G>A, p.Arg344His (NM_001171610.2, NM_001171611.2); c.827G>A (NM_007078.2); short protein forms R344H, R229H, R276H.
Identifiers: ClinVar variation 640344 (VCV000640344.16), dbSNP rs774519585, ClinGen allele CA5584898.

ClinVar aggregate classification (germline): Uncertain significance. Review status: criteria provided, multiple submitters, no conflicts (2 of 4 stars). 5 submissions from 5 submitters: Uncertain significance (3). 2 of the submissions do not count toward it. Last evaluated 2025-03-26.

Conditions:
Cardiovascular phenotype. Identifiers: MedGen CN230736.
Myofibrillar myopathy 4. Also called: Zaspopathy (type). Identifiers: Orphanet 98912, MedGen C4721886, MONDO:0012277, OMIM 609452.

Allele frequency attached by ClinVar (database versions not stated): ExAC 0.00001; gnomAD exomes 0.00001; TOPMed 0.00002.
gnomAD v4.1: 18 of 1,614,014 alleles (0.0011%); highest among the groups gnomAD compares: Admixed American, 0.0033%; no homozygotes.

Submissions (5):

Labcorp Genetics (formerly Invitae), Labcorp
Classification: Uncertain significance for Myofibrillar myopathy 4. Last evaluated: 2025-03-26. Review status: criteria provided, single submitter. Criteria: Invitae Variant Classification Sherloc (09022015). Collection method: clinical testing. Allele origin: germline.
Comment: This sequence change replaces arginine, which is basic and polar, with histidine, which is basic and polar, at codon 229 of the LDB3 protein (p.Arg229His). This variant is present in population databases (rs774519585, gnomAD 0.01%). This missense change has been observed in individual(s) with congenital myopathy (PMID: 31127727). This variant is also known as c.827G>A (p.(Arg276His). ClinVar contains an entry for this variant (Variation ID: 640344). An algorithm developed to predict the effect of missense changes on protein structure and function (PolyPhen-2) suggests that this variant is likely to be disruptive. In summary, the available evidence is currently insufficient to determine the role of this variant in disease. Therefore, it has been classified as a Variant of Uncertain Significance.

GeneDx
Classification: Uncertain significance. Last evaluated: 2025-02-11. Review status: criteria provided, single submitter. Criteria: GeneDx Variant Classification Process June 2021. Collection method: clinical testing. Allele origin: germline. Affected: yes.
Comment: Not observed at significant frequency in large population cohorts (gnomAD); In silico analysis supports that this missense variant has a deleterious effect on protein structure/function; Also known as p.(R276H); This variant is associated with the following publications: (PMID: 31127727)

Ambry Genetics
Classification: Uncertain significance for Cardiovascular phenotype. Last evaluated: 2023-12-01. Review status: criteria provided, single submitter. Criteria: Ambry Variant Classification Scheme 2023. Collection method: clinical testing. Allele origin: germline.
Comment: The p.R276H variant (also known as c.827G>A), located in coding exon 5 of the LDB3 gene, results from a G to A substitution at nucleotide position 827. The arginine at codon 276 is replaced by histidine, an amino acid with highly similar properties. This variant has been detected in an individual from a neuromuscular disorders cohort and in an unaffected parent (Westra D et al. J Neuromuscul Dis, 2019;6:241-258). This amino acid position is well conserved in available vertebrate species. In addition, the in silico prediction for this alteration is inconclusive. Since supporting evidence is limited at this time, the clinical significance of this alteration remains unclear.

Diagnostic Laboratory, Department of Genetics, University Medical Center Groningen
Classification: Uncertain significance. Review status: no assertion criteria provided. Collection method: clinical testing. Allele origin: germline. Affected: yes. Study: VKGL Data-share Consensus. Not counted in ClinVar's aggregate classification.

Joint Genome Diagnostic Labs from Nijmegen and Maastricht, Radboudumc and MUMC+
Classification: Uncertain significance. Review status: no assertion criteria provided. Collection method: clinical testing. Allele origin: germline. Affected: yes. Study: VKGL Data-share Consensus. Not counted in ClinVar's aggregate classification.

Literature cited by the submitters: PubMed 31127727 (cited by Labcorp Genetics (formerly Invitae), Labcorp and Ambry Genetics).